The following is an entry in ClinVar:

NM_000135.4(FANCA):c.301C>G (p.Gln101Glu)

Gene: FANCA (FA complementation group A; minus strand). Cytogenetic location: 16q24.3.
Variant type: single nucleotide variant.
Coding change: c.301C>G on transcript NM_000135.4 (MANE Select); coding-DNA position 301, C replaced by G.
Protein change: p.Gln101Glu; replaces glutamine 101 with glutamic acid.
Molecular consequence: missense variant.
Genome position (GRCh38, 1-based): chr16:89,811,054, G>C on the plus strand (C>G on the coding strand, the complement: FANCA is on the minus strand). VCF-style: chr16-89811054-G-C. GRCh37 (hg19) VCF-style: chr16-89877462-G-C.
Other names: c.301C>G (LRG_495t1); c.301C>G, p.Gln101Glu (NM_001018112.3, NM_001286167.3, NM_001351830.2); short protein forms Q101E.
Identifiers: ClinVar variation 435125 (VCV000435125.14), dbSNP rs140412064, ClinGen allele CA8253069.
Genomic context (GRCh38, chr16:89,811,054, plus strand): 5'-CGCTAGAGGCAACCATCCCGGCTGAGAGAATACCCACGGGAACCCCCAGCCTTGAGGCTT[G>C]ATCCTGCAAAGCAGAGCCTTAAACACAAAACAAAACCATAGCTTTCTCTTAACACATGAG-3'
Protein context (NP_000126.2, residues 91-111): SSFIGSALQD[Gln101Glu]ASRLGVPVGI

ClinVar aggregate classification (germline): Uncertain significance. Review status: criteria provided, multiple submitters, no conflicts (2 of 4 stars). 5 submissions from 5 submitters: Uncertain significance (4). 1 of the submissions does not count toward it. Last evaluated 2025-08-22.

Conditions:
Inborn genetic diseases. Identifiers: MedGen C0950123, MeSH D030342.
Fanconi anemia (FA). Also called: Fanconi's anemia. Identifiers: Orphanet 84, MedGen C0015625, MeSH D005199, MONDO:0019391.
Fanconi anemia complementation group A (FANCA). Also called: FANCA-Related Fanconi Anemia; Fanconi anemia, group A. Identifiers: Orphanet 84, MedGen C3469521, MONDO:0009215, OMIM 227650.

Allele frequency attached by ClinVar (database versions not stated): gnomAD exomes below 0.00001; ExAC 0.00001; TOPMed 0.00002; gnomAD 0.00003; ESP Exome Variant Server 0.00008.
gnomAD v4.1: 8 of 1,613,902 alleles (0.0005%); highest among the groups gnomAD compares: African/African-American, 0.0067%; no homozygotes.

Submissions (5):

Ambry Genetics
Classification: Uncertain significance for Inborn genetic diseases. Last evaluated: 2025-08-22. Review status: criteria provided, single submitter. Criteria: Ambry Variant Classification Scheme 2023. Collection method: clinical testing. Allele origin: germline.

Fulgent Genetics
Classification: Uncertain significance for Fanconi anemia complementation group A. Last evaluated: 2024-04-30. Review status: criteria provided, single submitter. Criteria: ACMG Guidelines, 2015. Collection method: clinical testing. Allele origin: germline.

Labcorp Genetics (formerly Invitae), Labcorp
Classification: Uncertain significance for Fanconi anemia. Last evaluated: 2021-08-27. Review status: criteria provided, single submitter. Criteria: Invitae Variant Classification Sherloc (09022015). Collection method: clinical testing. Allele origin: germline.
Comment: This sequence change replaces glutamine with glutamic acid at codon 101 of the FANCA protein (p.Gln101Glu). The glutamine residue is moderately conserved and there is a small physicochemical difference between glutamine and glutamic acid. This variant is present in population databases (rs140412064, ExAC 0.01%). This variant has not been reported in the literature in individuals affected with FANCA-related conditions. ClinVar contains an entry for this variant (Variation ID: 435125). Algorithms developed to predict the effect of missense changes on protein structure and function output the following: SIFT: "Tolerated"; PolyPhen-2: "Benign"; Align-GVGD: "Class C0". The glutamic acid amino acid residue is found in multiple mammalian species, which suggests that this missense change does not adversely affect protein function. In summary, the available evidence is currently insufficient to determine the role of this variant in disease. Therefore, it has been classified as a Variant of Uncertain Significance.

Genetic Services Laboratory, University of Chicago
Classification: Uncertain significance. Last evaluated: 2017-05-25. Review status: criteria provided, single submitter. Criteria: ACMG Guidelines, 2015. Collection method: clinical testing. Allele origin: germline. Affected: no.

Natera, Inc.
Classification: Uncertain significance for Fanconi anemia. Last evaluated: 2021-09-02. Review status: no assertion criteria provided. Collection method: clinical testing. Allele origin: germline. Not counted in ClinVar's aggregate classification.